The following is an entry in ClinVar:

ClinVar aggregate classification (germline): Uncertain significance. Review status: criteria provided, multiple submitters, no conflicts (2 of 4 stars). 3 submissions from 3 submitters: Uncertain significance (3). Last evaluated 2025-08-23.

Conditions:
Autosomal recessive spinocerebellar ataxia 12. Also called: SPINOCEREBELLAR ATAXIA WITH MENTAL RETARDATION AND EPILEPSY. Identifiers: Orphanet 284282, MedGen C3280452, MONDO:0013687, OMIM 614322.
Developmental and epileptic encephalopathy, 1 (DEE1). Also called: X-linked infantile spasms; West's syndrome; Tonic spasms with clustering, arrest of psychomotor development and hypsarrhythmia on EEG; X-Linked Infantile Spasm Syndrome; OHTAHARA SYNDROME, X-LINKED; INFANTILE SPASM SYNDROME, X-LINKED 1. Identifiers: MedGen C3463992, MONDO:0010632, OMIM 308350. Disease mechanism: loss of function.
Inborn genetic diseases. Identifiers: MedGen C0950123, MeSH D030342.

Allele frequency attached by ClinVar (database versions not stated): gnomAD exomes 0.00005; TOPMed 0.00005; ExAC 0.00006; gnomAD 0.00006; 1000 Genomes Project 30x 0.00016; 1000 Genomes Project 0.00020.
gnomAD v4.1: 189 of 1,614,242 alleles (0.012%); highest among the groups gnomAD compares: Non-Finnish European, 0.016%; no homozygotes.

Submissions (3):

Ambry Genetics
Classification: Uncertain significance for Inborn genetic diseases. Last evaluated: 2025-08-23. Review status: criteria provided, single submitter. Criteria: Ambry Variant Classification Scheme 2023. Collection method: clinical testing. Allele origin: germline.

Labcorp Genetics (formerly Invitae), Labcorp
Classification: Uncertain significance for Developmental and epileptic encephalopathy, 1; Autosomal recessive spinocerebellar ataxia 12. Last evaluated: 2024-10-30. Review status: criteria provided, single submitter. Criteria: Invitae Variant Classification Sherloc (09022015). Collection method: clinical testing. Allele origin: germline.
Comment: This sequence change replaces cysteine, which is neutral and slightly polar, with tyrosine, which is neutral and polar, at codon 382 of the WWOX protein (p.Cys382Tyr). The frequency data for this variant in the population databases is considered unreliable, as metrics indicate poor data quality at this position in the gnomAD database. This variant has not been reported in the literature in individuals affected with WWOX-related conditions. ClinVar contains an entry for this variant (Variation ID: 946158). Invitae Evidence Modeling of protein sequence and biophysical properties (such as structural, functional, and spatial information, amino acid conservation, physicochemical variation, residue mobility, and thermodynamic stability) has been performed for this missense variant. However, the output from this modeling did not meet the statistical confidence thresholds required to predict the impact of this variant on WWOX protein function. In summary, the available evidence is currently insufficient to determine the role of this variant in disease. Therefore, it has been classified as a Variant of Uncertain Significance.

Blueprint Genetics
Classification: Uncertain significance. Last evaluated: 2024-09-13. Review status: criteria provided, single submitter. Criteria: ACMG Guidelines, 2015. Collection method: clinical testing. Allele origin: germline.

NM_016373.4(WWOX):c.1145G>A (p.Cys382Tyr)

Genes: MAF (MAF bZIP transcription factor; minus strand), WWOX (WW domain containing oxidoreductase; plus strand). Cytogenetic location: 16q23.2.
Variant type: single nucleotide variant.
Coding change: c.1145G>A on transcript NM_016373.4 (MANE Select); coding-DNA position 1145, G replaced by A.
Protein change: p.Cys382Tyr; replaces cysteine 382 with tyrosine.
Molecular consequence: missense variant.
Genome position (GRCh38, 1-based): chr16:79,211,696, G>A. VCF-style: chr16-79211696-G-A. GRCh37 (hg19) VCF-style: chr16-79245593-G-A.
Other names: c.806G>A, p.Cys269Tyr (NM_001291997.2); c.1145G>A (NM_016373.2); short protein forms C269Y, C382Y.
Identifiers: ClinVar variation 946158 (VCV000946158.10), dbSNP rs199585408, ClinGen allele CA8183760.
Genomic context (GRCh38, chr16:79,211,696, plus strand): 5'-GTGCTGCTGTCCCAGAACTGGAGGGTCTGGGAGGGATGTACTTCAACAACTGCTGCCGCT[G>A]CATGCCCTCACCAGAAGCTCAGAGCGAAGAGACGGCCCGGACCCTGTGGGCGCTCAGCGA-3'
Protein context (NP_057457.1, residues 372-392): GGMYFNNCCR[Cys382Tyr]MPSPEAQSEE